The following continues an entry in ClinVar:

NM_007194.4(CHEK2):c.428A>G (p.His143Arg)

Gene: CHEK2. ClinVar aggregate classification (germline): Conflicting classifications of pathogenicity. Likely pathogenic (2); Uncertain significance (10).

Submissions 10 to 12 of 12:

Quest Diagnostics Nichols Institute San Juan Capistrano
Classification: Uncertain significance. Last evaluated: 2023-06-10. Review status: criteria provided, single submitter. Criteria: Quest Diagnostics criteria. Collection method: clinical testing. Allele origin: unknown.
Comment: In the published literature, this variant has been reported in individuals with colorectal (PMID: 28944238 (2017)) and ovarian cancer (PMID: 22006311 (2011)), and suspected Lynch syndrome (PMID: 25980754 (2015)). Additionally, it has also been reported in individuals with breast cancer as well as in unaffected controls (PMIDs: 33471991 (2021), 28779002 (2017), see also LOVD). Functional studies showed inconclusive results regarding the variant's impact on protein function (PMID: 22419737 (2012)), 22006311 (2011)). The frequency of this variant in the general population, 0.00002 (3/152164 chromosomes (Genome Aggregation Database)), is uninformative in the assessment of its pathogenicity. Analysis of this variant using bioinformatics tools for the prediction of the effect of amino acid changes on protein structure and function yielded predictions that this variant is damaging. Based on the available information, we are unable to determine the clinical significance of this variant.

Sema4
Classification: Uncertain significance for Hereditary cancer-predisposing syndrome. Last evaluated: 2021-07-21. Review status: criteria provided, single submitter. Criteria: Sema4 Curation Guidelines. Collection method: curation. Allele origin: germline.
Comment: The CHEK2 c.428A>G (p.H143R) variant has been reported in heterozygosity in individuals with ovarian or breast cancer and Lynch syndrome (PMID: 2206311, 25428789, 25980754). Functional studies have shown that this variant impairs DNA repair activity in yeast (PMID: 22006311, 22419737). It is also known as His186Arg in the literature. This variant is not reported in the population database Genome Aggregation Database (PMID: 32461654). This variant has been reported in ClinVar (Variation ID: 142196). In silico tools suggest the impact of the variant on protein function is deleterious. The evidence is insufficient to meet ACMG/AMP criteria for classifying the variant as benign or pathogenic. Thus, the clinical significance of this variant is currently uncertain.

Genetic Services Laboratory, University of Chicago
Classification: Uncertain significance. Last evaluated: 2020-11-25. Review status: criteria provided, single submitter. Criteria: ACMG Guidelines, 2015. Collection method: clinical testing. Allele origin: germline. Affected: no.
Comment: DNA sequence analysis of the CHEK2 gene demonstrated a sequence change, c.428A>G, in exon 3 that results in an amino acid change, p.His143Arg. This sequence change has been previously described in some patients with breast cancer, colorectal cancer and ovarian small cell carcinoma (PMIDs: 25428789, 25980754, 22006311). This sequence change is absent from the large population databases such as ExAC and gnomAD (dbSNP rs587782300). The p.His143Arg change affects a highly conserved amino acid residue located in the forkhead-associated (FHA) domain of the CHEK2 protein that is known to be functional. In vivo functional assay in yeast showed impairs DNA damage repair activity (PMID: 22419737). In-silico pathogenicity prediction tools (SIFT, PolyPhen2, Align GVGD, REVEL) provide contradictory results for the p.His143Arg substitution. This variant has been classified as a variant of unknown significance in ClinVar by other laboratories. Due to lack of more substantial evidence for its pathogenicity, the clinical significance of the p.His143Arg change remains unknown at this time.

Literature cited by the submitters: PubMed 22006311 (cited by 5 submitters); PubMed 22419737 (cited by 5 submitters); PubMed 25428789 (cited by 4 submitters); PubMed 25980754 (cited by 5 submitters); PubMed 32546565 (cited by 4 submitters); PubMed 33471991 (cited by 4 submitters); PubMed 36315513 (cited by 3 submitters); PubMed 37449874 (cited by 3 submitters); PubMed 28779002 (cited by 3 submitters); PubMed 28944238 (cited by 3 submitters); PubMed 2206311 (cited by Sema4).